The following is an entry in ClinVar:

ClinVar aggregate classification (germline): Uncertain significance (1 of 4 stars; one submission).

Conditions:
Nephronophthisis 16 (NPHP16). Identifiers: Orphanet 655, MedGen C3809320, MONDO:0014158, OMIM 615382.

Allele frequency attached by ClinVar (database versions not stated): TOPMed below 0.00001; ExAC 0.00001; gnomAD 0.00002.

Submission:

Labcorp Genetics (formerly Invitae), Labcorp
Classification: Uncertain significance for Nephronophthisis 16. Last evaluated: 2023-04-24. Review status: criteria provided, single submitter. Criteria: Invitae Variant Classification Sherloc (09022015). Collection method: clinical testing. Allele origin: germline.
Comment: An algorithm developed to predict the effect of missense changes on protein structure and function (PolyPhen-2) suggests that this variant is likely to be tolerated. In summary, the available evidence is currently insufficient to determine the role of this variant in disease. Therefore, it has been classified as a Variant of Uncertain Significance. This sequence change replaces leucine, which is neutral and non-polar, with valine, which is neutral and non-polar, at codon 190 of the ANKS6 protein (p.Leu190Val). This variant is present in population databases (rs780328581, gnomAD 0.004%). This variant has not been reported in the literature in individuals affected with ANKS6-related conditions. ClinVar contains an entry for this variant (Variation ID: 2097729).

NM_173551.5(ANKS6):c.568T>G (p.Leu190Val)

Gene: ANKS6 (ankyrin repeat and sterile alpha motif domain containing 6; minus strand). Cytogenetic location: 9q22.33.
Variant type: single nucleotide variant.
Coding change: c.568T>G on transcript NM_173551.5 (MANE Select); coding-DNA position 568, T replaced by G.
Protein change: p.Leu190Val; replaces leucine 190 with valine.
Molecular consequence: missense variant.
Genome position (GRCh38, 1-based): chr9:98,790,398, A>C on the plus strand (T>G on the coding strand, the complement: ANKS6 is on the minus strand). VCF-style: chr9-98790398-A-C. GRCh37 (hg19) VCF-style: chr9-101552680-A-C.
Other names: short protein forms L190V.
Identifiers: ClinVar variation 2097729 (VCV002097729.4), dbSNP rs780328581, ClinGen allele CA5153812.